The following is an entry in ClinVar:

NM_001875.5(CPS1):c.528+9A>G

Gene: CPS1 (carbamoyl-phosphate synthase 1; plus strand). Cytogenetic location: 2q34.
Variant type: single nucleotide variant.
Coding change: c.528+9A>G on transcript NM_001875.5 (MANE Select); 9 bases into the intron after coding-DNA position 528, A replaced by G.
Molecular consequence: intron variant.
Genome position (GRCh38, 1-based): chr2:210,579,779, A>G. VCF-style: chr2-210579779-A-G. GRCh37 (hg19) VCF-style: chr2-211444503-A-G.
Other names: c.528+9A>G (LRG_336t1, NM_001369257.1, NM_001122633.3); c.561+9A>G (NM_001369256.1).
Identifiers: ClinVar variation 334014 (VCV000334014.18), dbSNP rs369476447, ClinGen allele CA2086048.

ClinVar aggregate classification (germline): Likely benign. Review status: criteria provided, multiple submitters, no conflicts (2 of 4 stars). 3 submissions from 3 submitters: Likely benign (2). 1 of the submissions does not count toward it. Last evaluated 2025-03-27.

Conditions:
Congenital hyperammonemia, type I. Also called: CPS I DEFICIENCY; Carbamoyl phosphate synthetase 1 deficiency; Hyperammonemia due to carbamoyl phosphate synthetase 1 deficiency; CPS 1 deficiency; Carbamyl phosphate synthetase (CPS) deficiency; Carbamoyl phosphate synthetase I deficiency disease. Identifiers: Orphanet 147, MedGen C4082171, MONDO:0009376, OMIM 237300.

Allele frequency attached by ClinVar (database versions not stated): ExAC 0.00004; gnomAD exomes 0.00005 and 0.00009; gnomAD 0.00008; TOPMed 0.00008; ESP Exome Variant Server 0.00015.
gnomAD v4.1: 154 of 1,608,584 alleles (0.0096%); highest among the groups gnomAD compares: Non-Finnish European, 0.011%; no homozygotes.

Submissions (3):

Labcorp Genetics (formerly Invitae), Labcorp
Classification: Likely benign for Congenital hyperammonemia, type I. Last evaluated: 2025-03-27. Review status: criteria provided, single submitter. Criteria: Invitae Variant Classification Sherloc (09022015). Collection method: clinical testing. Allele origin: germline.

GeneDx
Classification: Likely benign. Last evaluated: 2017-06-06. Review status: criteria provided, single submitter. Criteria: GeneDx Variant Classification (06012015). Collection method: clinical testing. Allele origin: germline. Affected: yes.
Comment: This variant is considered likely benign or benign based on one or more of the following criteria: it is a conservative change, it occurs at a poorly conserved position in the protein, it is predicted to be benign by multiple in silico algorithms, and/or has population frequency not consistent with disease.

Natera, Inc.
Classification: Uncertain significance for Carbamoyl-phosphate synthase I deficiency. Last evaluated: 2020-01-08. Review status: no assertion criteria provided. Collection method: clinical testing. Allele origin: germline. Not counted in ClinVar's aggregate classification.